The following is an entry in ClinVar:

ClinVar aggregate classification (germline): Uncertain significance (1 of 4 stars; one submission).

gnomAD v4.1: 1 of 1,610,568 alleles (0.000062%); highest among the groups gnomAD compares: Non-Finnish European, 0.000085%; no homozygotes.

Submission:

Labcorp Genetics (formerly Invitae), Labcorp
Classification: Uncertain significance. Last evaluated: 2025-07-23. Review status: criteria provided, single submitter. Criteria: Invitae Variant Classification Sherloc (09022015). Collection method: clinical testing. Allele origin: germline.
Comment: This sequence change replaces alanine, which is neutral and non-polar, with valine, which is neutral and non-polar, at codon 120 of the PALM protein (p.Ala120Val). This variant is not present in population databases (gnomAD no frequency). This variant has not been reported in the literature in individuals affected with PALM-related conditions. An algorithm developed to predict the effect of missense changes on protein structure and function outputs the following: PolyPhen-2: "Benign". The valine amino acid residue is found in multiple mammalian species, which suggests that this missense change does not adversely affect protein function. In summary, the available evidence is currently insufficient to determine the role of this variant in disease. Therefore, it has been classified as a Variant of Uncertain Significance.

NM_002579.3(PALM):c.359C>T (p.Ala120Val)

Gene: PALM (paralemmin; plus strand). Cytogenetic location: 19p13.3.
Variant type: single nucleotide variant.
Coding change: c.359C>T on transcript NM_002579.3 (MANE Select); coding-DNA position 359, C replaced by T.
Protein change: p.Ala120Val; replaces alanine 120 with valine.
Molecular consequence: missense variant.
Genome position (GRCh38, 1-based): chr19:731,184, C>T. VCF-style: chr19-731184-C-T. GRCh37 (hg19) VCF-style: chr19-731184-C-T.
Other names: c.359C>T, p.Ala120Val (NM_001040134.2); short protein forms A120V.
Identifiers: ClinVar variation 4769561 (VCV004769561.1).
Genomic context (GRCh38, chr19:731,184, plus strand): 5'-GTGGAGACTCCGCCCCAGCCACTGCCAAGGAGAACGCGGCGGCCCCGAGCCCAGTCCGGG[C>T]CCCAGCCCCGAGTCCAGCCAAGGAGGAGCGCAAGACAGAGGTGGTGATGAATTCACAGCA-3'
Protein context (NP_002570.2, residues 110-130): ENAAAPSPVR[Ala120Val]PAPSPAKEER